The following is an entry in ClinVar:

NM_006859.4(LIAS):c.393+10G>A

Gene: LIAS (lipoic acid synthetase; plus strand). Cytogenetic location: 4p14.
Variant type: single nucleotide variant.
Coding change: c.393+10G>A on transcript NM_006859.4 (MANE Select); 10 bases into the intron after coding-DNA position 393, G replaced by A.
Molecular consequence: intron variant. On other transcripts: missense variant (1), 3 prime UTR variant (1).
Genome position (GRCh38, 1-based): chr4:39,463,615, G>A. VCF-style: chr4-39463615-G-A. GRCh37 (hg19) VCF-style: chr4-39465235-G-A.
Other names: c.403G>A, p.Ala135Thr (NM_001278591.2); c.*6G>A (NM_001278592.2); c.393+10G>A (NM_194451.3, NM_001278590.2); c.299+10G>A (NM_001363700.2); short protein forms A135T.
Identifiers: ClinVar variation 138119 (VCV000138119.13), dbSNP rs372094616, ClinGen allele CA291932.
Genomic context (GRCh38, chr4:39,463,615, plus strand): 5'-GGAGAGTGTTGGGGAGGTGGAGAATATGCCACCGCCACAGCCACGATCATGGTAGGGCCA[G>A]CCTCAACCTCTATGGCTTTAGTCTAGAAACTGAAAGGGACTATTTTGTGTCTTCCTCCTA-3'

ClinVar aggregate classification (germline): Benign/Likely benign. Review status: criteria provided, multiple submitters, no conflicts (2 of 4 stars). 3 submissions from 3 submitters: Benign (2); Likely benign (1). Last evaluated 2025-10-20.

Conditions:
Lipoic acid synthetase deficiency. Also called: HYPERGLYCINEMIA, LACTIC ACIDOSIS, AND SEIZURES. Identifiers: Orphanet 401859, MedGen C3280887, MONDO:0013762, OMIM 614462.

Allele frequency attached by ClinVar (database versions not stated): gnomAD 0.00011 and 0.00015; 1000 Genomes Project 30x 0.00016; TOPMed 0.00017; ExAC 0.00031.
gnomAD v4.1: 595 of 1,610,172 alleles (0.037%); highest among the groups gnomAD compares: East Asian, 1.1%; 8 homozygotes.

Submissions (3):

Labcorp Genetics (formerly Invitae), Labcorp
Classification: Benign for Lipoic acid synthetase deficiency. Last evaluated: 2025-10-20. Review status: criteria provided, single submitter. Criteria: Invitae Variant Classification Sherloc (09022015). Collection method: clinical testing. Allele origin: germline.

Blueprint Genetics
Classification: Likely benign. Last evaluated: 2024-11-18. Review status: criteria provided, single submitter. Criteria: ACMG Guidelines, 2015. Collection method: clinical testing. Allele origin: germline.

GeneDx
Classification: Benign. Last evaluated: 2014-02-07. Review status: criteria provided, single submitter. Criteria: GeneDx Variant Classification (06012015). Collection method: clinical testing. Allele origin: germline. Affected: yes.
Comment: This variant is considered likely benign or benign based on one or more of the following criteria: it is a conservative change, it occurs at a poorly conserved position in the protein, it is predicted to be benign by multiple in silico algorithms, and/or has population frequency not consistent with disease.